The following is an entry in ClinVar:

ClinVar aggregate classification (germline): Pathogenic/Likely pathogenic. Review status: criteria provided, multiple submitters, no conflicts (2 of 4 stars). 2 submissions from 2 submitters: Pathogenic (1); Likely pathogenic (1). Last evaluated 2020-10-19.

Conditions:
Autism, susceptibility to, 17. Also called: Autism susceptibility 17. Identifiers: MedGen C3150693, MONDO:0013265, OMIM 613436.
Neurodevelopmental disorder. Identifiers: MedGen C1535926, MeSH D065886, MONDO:0700092.

Submissions (2):

Victorian Clinical Genetics Services, Murdoch Childrens Research Institute
Classification: Pathogenic for Neurodevelopmental disorder. Last evaluated: 2020-10-19. Review status: criteria provided, single submitter. Criteria: ACMG Guidelines, 2015. Collection method: clinical testing. Allele origin: germline. Inheritance: Autosomal dominant inheritance.
Comment: Based on the classification scheme VCGS_Germline_v1.1.1, this variant is classified as pathogenic. Following criteria are met: 0102 - Loss-of-function is a known mechanism of disease for this gene. (N) 0107 - This gene is known to be associated with autosomal dominant disease. (N) 0201 - Variant is predicted to cause nonsense-mediated decay (NMD) and loss of protein (exon 6 of 25). (P) 0251 - Variant is heterozygous. (N) 0302 - Variant is present in gnomAD <0.001 for a dominant condition (3 heterozygotes, 0 homozygotes). (P) 0701 - Comparable variants also predicted to result in NMD, have very strong previous evidence for pathogenicity in patients with autism and/or intellectual disability (Decipher, ClinVar, PMID: 30911184, PMID: 20473310). (P) 0807 - Variant has not previously been reported in a clinical context. (N) 0905 - No segregation evidence has been identified for this variant. (N) 1007 - No published functional evidence has been identified for this variant. (N) Legend: (P) - Pathogenic, (N) - Neutral, (B) - Benign

Juno Genomics, Hangzhou Juno Genomics, Inc
Classification: Likely pathogenic for Autism, susceptibility to, 17. Review status: criteria provided, single submitter. Criteria: ACMG Guidelines, 2015. Collection method: clinical testing. Allele origin: germline.
Comment: Absent from controls (or at extremely low frequency if recessive) in Genome Aggregation Database.;Null variant in a gene where loss of function (LOF) is a known mechanism of disease.

Literature cited by the submitters: PubMed 20473310 (cited by Victorian Clinical Genetics Services, Murdoch Childrens Research Institute); PubMed 30911184 (cited by Victorian Clinical Genetics Services, Murdoch Childrens Research Institute).

NM_012309.5(SHANK2):c.601dup (p.Leu201fs)

Gene: SHANK2 (SH3 and multiple ankyrin repeat domains 2; minus strand). Cytogenetic location: 11q13.4.
Variant type: Duplication.
Coding change: c.601dup on transcript NM_012309.5 (MANE Select); coding-DNA position 601, one base duplicated (C; older notation c.601dupC).
Protein change: p.Leu201fs; shifts the reading frame from leucine 201.
Molecular consequence: frameshift variant.
Genome position (GRCh38, 1-based): chr11:71,094,680, G duplicated on the plus strand (C on the coding strand, the reverse complement: SHANK2 is on the minus strand); the first of 6 consecutive G bases (chr11:71,094,680-71,094,685); duplicating any one gives the same sequence. VCF-style (leftmost placement, unchanged base first): chr11-71094679-A-AG. GRCh37 (hg19) VCF-style: chr11-70805725-A-AG.
Other names: short protein forms L201fs.
Identifiers: ClinVar variation 1699379 (VCV001699379.6), dbSNP rs1555094999, ClinGen allele CA600170461.
Genomic context (GRCh38, chr11:71,094,679, plus strand): 5'-CCACCATTTTTGAGAGCTTTGATGACCTCCACAGAGTCGTCCAGCTGAGCGGCTAAGGTC[A>AG]GGGGGGTCTCTGAGGAACCCAAACACACACACTTTAGAACCAACATTTGTCACACTGCTC-3'